The following is an entry in ClinVar:

NM_024740.2(ALG9):c.-26C>T

Genes: ALG9 (ALG9 alpha-1,2-mannosyltransferase; minus strand), LOC130006752 (ATAC-STARR-seq lymphoblastoid silent region 3902; plus strand). Cytogenetic location: 11q23.1.
Variant type: single nucleotide variant.
Coding change: c.-26C>T on transcript NM_024740.2 (MANE Select); 26 bases upstream of the start codon, C replaced by T.
Molecular consequence: 5 prime UTR variant.
Genome position (GRCh38, 1-based): chr11:111,871,508, G>A on the plus strand (C>T on the coding strand, the complement: ALG9 is on the minus strand). VCF-style: chr11-111871508-G-A. GRCh37 (hg19) VCF-style: chr11-111742232-G-A.
Other names: c.-26C>T (NM_001077690.1, NM_001352417.1, NM_001352418.1); c.-400C>T (NM_001352409.1); c.-543C>T (NM_001352410.1, NM_001352413.1).
Identifiers: ClinVar variation 388725 (VCV000388725.1), dbSNP rs570877727, ClinGen allele CA228561606.

ClinVar aggregate classification (germline): Likely benign (1 of 4 stars; one submission).

Allele frequency attached by ClinVar (database versions not stated): ExAC 0.00008; gnomAD exomes 0.00010 and 0.00011; gnomAD 0.00011; TOPMed 0.00011; 1000 Genomes Project 0.00040; 1000 Genomes Project 30x 0.00062.
gnomAD v4.1: 151 of 1,535,396 alleles (0.0098%); highest among the groups gnomAD compares: African/African-American, 0.021%; no homozygotes.

Submission:

GeneDx
Classification: Likely benign. Last evaluated: 2016-08-19. Review status: criteria provided, single submitter. Criteria: GeneDx Variant Classification (06012015). Collection method: clinical testing. Allele origin: germline. Affected: yes.
Comment: This variant is considered likely benign or benign based on one or more of the following criteria: it is a conservative change, it occurs at a poorly conserved position in the protein, it is predicted to be benign by multiple in silico algorithms, and/or has population frequency not consistent with disease.